The following is an entry in ClinVar:

ClinVar aggregate classification (germline): Likely pathogenic (1 of 4 stars; one submission).

Allele frequency attached by ClinVar (database versions not stated): gnomAD exomes below 0.00001; TOPMed below 0.00001.
gnomAD v4.1: 1 of 1,612,634 alleles (0.000062%); highest among the groups gnomAD compares: Non-Finnish European, 0.000085%; no homozygotes.

Submission:

GeneDx
Classification: Likely pathogenic. Last evaluated: 2017-01-09. Review status: criteria provided, single submitter. Criteria: GeneDx Variant Classification (06012015). Collection method: clinical testing. Allele origin: germline. Affected: yes.
Comment: The c.2581-1G>C variant in the ALS2 gene has not been reported previously as a pathogenic variant nor as a benign variant, to our knowledge. This splice site variant destroys the canonical splice acceptor site in intron 13. This splice site variant is predicted to cause abnormal gene splicing resulting in an in-frame protein product with an abnormal message. However, in the absence of RNA/functional studies, the actual effect of c.2581-1G>C in this individual is unknown. The c.2581-1G>C variant was not observed in approximately 5900 individuals of European and African American ancestry in the NHLBI Exome Sequencing Project, indicating it is not a common benign variant in these populations. The c.2581-1G>C variant is a strong candidate for a pathogenic variant, however the possibility it may be a rare benign variant cannot be excluded.

NM_020919.4(ALS2):c.2581-1G>C

Gene: ALS2 (alsin Rho guanine nucleotide exchange factor ALS2; minus strand). Cytogenetic location: 2q33.1.
Variant type: single nucleotide variant.
Coding change: c.2581-1G>C on transcript NM_020919.4 (MANE Select); the canonical splice acceptor site of the intron before coding-DNA position 2581, G replaced by C.
Molecular consequence: splice acceptor variant.
Genome position (GRCh38, 1-based): chr2:201,729,184, C>G on the plus strand (G>C on the coding strand, the complement: ALS2 is on the minus strand). VCF-style: chr2-201729184-C-G. GRCh37 (hg19) VCF-style: chr2-202593907-C-G.
Other names: c.2581-1G>C (NM_001410975.1).
Identifiers: ClinVar variation 392097 (VCV000392097.4), dbSNP rs1057524355, ClinGen allele CA16604087.